The following is an entry in ClinVar:

ClinVar aggregate classification (germline): Uncertain significance (1 of 4 stars; one submission).

Conditions:
Chédiak-Higashi syndrome (CHS). Also called: Chediak-Higashi Syndrome. Identifiers: Orphanet 167, MedGen C0007965, MONDO:0008963, OMIM 214500.

gnomAD v4.1: 2 of 1,614,070 alleles (0.00012%); highest among the groups gnomAD compares: Non-Finnish European, 0.00017%; no homozygotes.

Submission:

Labcorp Genetics (formerly Invitae), Labcorp
Classification: Uncertain significance for Chédiak-Higashi syndrome. Last evaluated: 2022-04-20. Review status: criteria provided, single submitter. Criteria: Invitae Variant Classification Sherloc (09022015). Collection method: clinical testing. Allele origin: germline.
Comment: This sequence change replaces threonine, which is neutral and polar, with isoleucine, which is neutral and non-polar, at codon 2739 of the LYST protein (p.Thr2739Ile). This variant is present in population databases (no rsID available, gnomAD 0.0009%). This variant has not been reported in the literature in individuals affected with LYST-related conditions. Algorithms developed to predict the effect of missense changes on protein structure and function are either unavailable or do not agree on the potential impact of this missense change (SIFT: "Tolerated"; PolyPhen-2: "Probably Damaging"; Align-GVGD: "Class C0"). In summary, the available evidence is currently insufficient to determine the role of this variant in disease. Therefore, it has been classified as a Variant of Uncertain Significance.

NM_000081.4(LYST):c.8216C>T (p.Thr2739Ile)

Gene: LYST (lysosomal trafficking regulator; minus strand). Cytogenetic location: 1q42.3.
Variant type: single nucleotide variant.
Coding change: c.8216C>T on transcript NM_000081.4 (MANE Select); coding-DNA position 8216, C replaced by T.
Protein change: p.Thr2739Ile; replaces threonine 2739 with isoleucine.
Molecular consequence: missense variant.
Genome position (GRCh38, 1-based): chr1:235,741,564, G>A on the plus strand (C>T on the coding strand, the complement: LYST is on the minus strand). VCF-style: chr1-235741564-G-A. GRCh37 (hg19) VCF-style: chr1-235904864-G-A.
Other names: c.8216C>T, p.Thr2739Ile (NM_001301365.1); short protein forms T2739I.
Identifiers: ClinVar variation 2124986 (VCV002124986.1), dbSNP rs1443276945, ClinGen allele CA344923922.
Genomic context (GRCh38, chr1:235,741,564, plus strand): 5'-TGTGCAGCGTGGGCTGGCGACAAAATATGCACTAGTAGTCTCCCAAGCTGCATTCGGAAG[G>A]TCTCCTTACAAGACCACAGAATTTTAGTCCATTGCTGCTTGGAACCACTGGCTTTACTTG-3'
Protein context (NP_000072.2, residues 2729-2749): WTKILWSCKE[Thr2739Ile]FRMQLGRLLV